The following is an entry in ClinVar:

NM_000465.4(BARD1):c.1869G>A (p.Gly623=)

Gene: BARD1 (BRCA1 associated RING domain 1; minus strand). Cytogenetic location: 2q35.
Variant type: single nucleotide variant.
Coding change: c.1869G>A on transcript NM_000465.4 (MANE Select); coding-DNA position 1869, G replaced by A.
Protein change: p.Gly623=; no amino-acid change (glycine 623 retained).
Molecular consequence: synonymous variant. On other transcripts: non-coding transcript variant (3), intron variant (1).
Genome position (GRCh38, 1-based): chr2:214,745,101, C>T on the plus strand (G>A on the coding strand, the complement: BARD1 is on the minus strand). VCF-style: chr2-214745101-C-T. GRCh37 (hg19) VCF-style: chr2-215609825-C-T.
Other names: c.1812G>A, p.Gly604= (NM_001282543.2); c.516G>A, p.Gly172= (NM_001282545.2); c.459G>A, p.Gly153= (NM_001282548.2); c.365-14593G>A (NM_001282549.2).
Identifiers: ClinVar variation 2450472 (VCV002450472.7), dbSNP rs759973077, ClinGen allele CA2090146.

ClinVar aggregate classification (germline): Benign/Likely benign. Review status: criteria provided, multiple submitters, no conflicts (2 of 4 stars). 4 submissions from 4 submitters: Benign (1); Likely benign (3). Last evaluated 2024-07-26.

Conditions:
Hereditary cancer-predisposing syndrome. Also called: Neoplastic Syndromes, Hereditary; Tumor predisposition; Hereditary neoplastic syndrome; Hereditary Cancer Syndrome. Identifiers: Orphanet 140162, MedGen C0027672, MeSH D009386, MONDO:0015356.
Familial cancer of breast. Also called: BREAST CANCER, FAMILIAL; Hereditary breast cancer; hereditary breast carcinoma. Identifiers: Orphanet 227535, MedGen C0346153, MONDO:0016419, OMIM 114480. Disease mechanism: loss of function.

Allele frequency attached by ClinVar (database versions not stated): ExAC 0.00001.
gnomAD v4.1: 2 of 1,614,030 alleles (0.00012%); highest among the groups gnomAD compares: South Asian, 0.0022%; no homozygotes.

Submissions (4):

Myriad Genetics, Inc.
Classification: Benign for Familial cancer of breast. Last evaluated: 2024-07-26. Review status: criteria provided, single submitter. Criteria: Myriad Autosomal Dominant, Autosomal Recessive and X-Linked Classification Criteria (2023). Collection method: clinical testing. Allele origin: unknown.
Comment: This variant is considered benign. This variant is a silent/synonymous amino acid change and it is not expected to impact splicing.

Labcorp Genetics (formerly Invitae), Labcorp
Classification: Likely benign for Familial cancer of breast. Last evaluated: 2023-05-02. Review status: criteria provided, single submitter. Criteria: Invitae Variant Classification Sherloc (09022015). Collection method: clinical testing. Allele origin: germline.

Ambry Genetics
Classification: Likely benign for Hereditary cancer-predisposing syndrome. Last evaluated: 2022-12-23. Review status: criteria provided, single submitter. Criteria: Ambry Variant Classification Scheme 2023. Collection method: clinical testing. Allele origin: germline.

Department of Pathology and Laboratory Medicine, Sinai Health System
Classification: Likely benign for Familial cancer of breast. Last evaluated: 2022-09-26. Review status: criteria provided, single submitter. Criteria: ACMG Guidelines, 2015. Collection method: clinical testing. Allele origin: germline. Affected: yes.